The following is an entry in ClinVar:

NM_032730.5(RTN4IP1):c.1162C>T (p.Arg388Ter)

Gene: RTN4IP1 (reticulon 4 interacting protein 1; minus strand). Cytogenetic location: 6q21.
Variant type: single nucleotide variant.
Coding change: c.1162C>T on transcript NM_032730.5 (MANE Select); coding-DNA position 1162, C replaced by T.
Protein change: p.Arg388Ter; replaces arginine 388 with a stop codon.
Molecular consequence: nonsense.
Genome position (GRCh38, 1-based): chr6:106,572,025, G>A on the plus strand (C>T on the coding strand, the complement: RTN4IP1 is on the minus strand). VCF-style: chr6-106572025-G-A. GRCh37 (hg19) VCF-style: chr6-107019900-G-A.
Other names: c.862C>T, p.Arg288Ter (NM_001318746.1); short protein forms R388*, R288*.
Identifiers: ClinVar variation 1034720 (VCV001034720.8), dbSNP rs764393326, ClinGen allele CA3944260.

ClinVar aggregate classification (germline): Conflicting classifications of pathogenicity. Review status: criteria provided, conflicting classifications (1 of 4 stars). 3 submissions from 3 submitters: Pathogenic (1); Uncertain significance (2). Last evaluated 2024-11-15.

Conditions:
Optic atrophy 10 with or without ataxia, impaired intellectual development, and seizures. Also called: Optic atrophy 10 with or without ataxia, intellectual disability, and seizures; OPTIC ATROPHY 10 WITH OR WITHOUT ATAXIA, MENTAL RETARDATION, AND SEIZURES. Identifiers: MedGen C4225227, MONDO:0020737, OMIM 616732.

Allele frequency attached by ClinVar (database versions not stated): gnomAD 0.00001; gnomAD exomes 0.00003; TOPMed 0.00002; ExAC 0.00003.
gnomAD v4.1: 32 of 1,612,812 alleles (0.002%); highest among the groups gnomAD compares: Middle Eastern, 0.016%; no homozygotes.

Submissions (3):

Labcorp Genetics (formerly Invitae), Labcorp
Classification: Pathogenic. Last evaluated: 2024-11-15. Review status: criteria provided, single submitter. Criteria: Invitae Variant Classification Sherloc (09022015). Collection method: clinical testing. Allele origin: germline.
Comment: This sequence change creates a premature translational stop signal (p.Arg388*) in the RTN4IP1 gene. While this is not anticipated to result in nonsense mediated decay, it is expected to disrupt the last 9 amino acid(s) of the RTN4IP1 protein. This variant is present in population databases (rs764393326, gnomAD 0.02%). This premature translational stop signal has been observed in individual(s) with optic atrophy (PMID: 31077085). In at least one individual the data is consistent with being in trans (on the opposite chromosome) from a pathogenic variant. It has also been observed to segregate with disease in related individuals. ClinVar contains an entry for this variant (Variation ID: 1034720). Studies have shown that this premature translational stop signal alters RTN4IP1 gene expression (PMID: 31077085). Algorithms developed to predict the effect of sequence changes on RNA splicing suggest that this variant may disrupt the consensus splice site. For these reasons, this variant has been classified as Pathogenic.

Blueprint Genetics
Classification: Uncertain significance. Last evaluated: 2024-02-12. Review status: criteria provided, single submitter. Criteria: ACMG Guidelines, 2015. Collection method: clinical testing. Allele origin: germline.

Department of Pathology and Laboratory Medicine, Sinai Health System
Classification: Uncertain significance for Optic atrophy 10 with or without ataxia, impaired intellectual development, and seizures. Last evaluated: 2022-06-29. Review status: criteria provided, single submitter. Criteria: ACMG Guidelines, 2015. Collection method: research. Allele origin: germline.

Literature cited by the submitters: PubMed 31077085 (cited by Labcorp Genetics (formerly Invitae), Labcorp).